The following is an entry in ClinVar:

ClinVar aggregate classification (germline): Uncertain significance. Review status: criteria provided, multiple submitters, no conflicts (2 of 4 stars). 2 submissions from 2 submitters: Uncertain significance (2). Last evaluated 2023-11-03.

Conditions:
Left ventricular noncompaction 8 (LVNC8). Identifiers: Orphanet 154, Orphanet 54260, MedGen C3809288, MONDO:0014152, OMIM 615373.

Allele frequency attached by ClinVar (database versions not stated): ExAC 0.00001; gnomAD 0.00001; gnomAD exomes 0.00001; TOPMed 0.00002.
gnomAD v4.1: 10 of 1,613,160 alleles (0.00062%); highest among the groups gnomAD compares: East Asian, 0.018%; no homozygotes.

Submissions (2):

GeneDx
Classification: Uncertain significance. Last evaluated: 2023-11-03. Review status: criteria provided, single submitter. Criteria: GeneDx Variant Classification Process June 2021. Collection method: clinical testing. Allele origin: germline. Affected: yes.
Comment: Not observed at significant frequency in large population cohorts (gnomAD); In silico analysis supports that this missense variant has a deleterious effect on protein structure/function; Has not been previously published as pathogenic or benign to our knowledge

Labcorp Genetics (formerly Invitae), Labcorp
Classification: Uncertain significance for Left ventricular noncompaction 8. Last evaluated: 2023-01-02. Review status: criteria provided, single submitter. Criteria: Invitae Variant Classification Sherloc (09022015). Collection method: clinical testing. Allele origin: germline.
Comment: This sequence change replaces proline, which is neutral and non-polar, with serine, which is neutral and polar, at codon 731 of the PRDM16 protein (p.Pro731Ser). This variant is present in population databases (rs759756565, gnomAD 0.03%). This variant has not been reported in the literature in individuals affected with PRDM16-related conditions. Algorithms developed to predict the effect of missense changes on protein structure and function (SIFT, PolyPhen-2, Align-GVGD) all suggest that this variant is likely to be disruptive. In summary, the available evidence is currently insufficient to determine the role of this variant in disease. Therefore, it has been classified as a Variant of Uncertain Significance.

NM_022114.4(PRDM16):c.2191C>T (p.Pro731Ser)

Gene: PRDM16 (PR/SET domain 16; plus strand). Cytogenetic location: 1p36.32.
Variant type: single nucleotide variant.
Coding change: c.2191C>T on transcript NM_022114.4 (MANE Select); coding-DNA position 2191, C replaced by T.
Protein change: p.Pro731Ser; replaces proline 731 with serine.
Molecular consequence: missense variant.
Genome position (GRCh38, 1-based): chr1:3,412,388, C>T. VCF-style: chr1-3412388-C-T. GRCh37 (hg19) VCF-style: chr1-3328952-C-T.
Other names: c.2191C>T (NM_022114.3); c.2191C>T, p.Pro731Ser (NM_199454.3); short protein forms P731S.
Identifiers: ClinVar variation 2739176 (VCV002739176.4), dbSNP rs759756565, ClinGen allele CA544411.